The following is an entry in ClinVar:

ClinVar aggregate classification (germline): Uncertain significance (1 of 4 stars; one submission).

Conditions:
Hereditary breast ovarian cancer syndrome. Also called: BRCA1- and BRCA2-Associated Hereditary Breast and Ovarian Cancer; Hereditary breast and ovarian cancer; Hereditary breast and/or ovarian cancer syndrome; Hereditary breast and ovarian cancer syndrome; Hereditary breast and ovarian cancer syndrome (HBOC); Breast and ovarian cancer. Identifiers: Orphanet 145, MedGen C0677776, MeSH D061325, MONDO:0003582. Disease mechanism: loss of function.

Submission:

Labcorp Genetics (formerly Invitae), Labcorp
Classification: Uncertain significance for Hereditary breast ovarian cancer syndrome. Last evaluated: 2024-09-04. Review status: criteria provided, single submitter. Criteria: Invitae Variant Classification Sherloc (09022015). Collection method: clinical testing. Allele origin: germline.
Comment: This sequence change replaces methionine, which is neutral and non-polar, with threonine, which is neutral and polar, at codon 3181 of the BRCA2 protein (p.Met3181Thr). This variant is not present in population databases (gnomAD no frequency). This variant has not been reported in the literature in individuals affected with BRCA2-related conditions. ClinVar contains an entry for this variant (Variation ID: 1498182). Invitae Evidence Modeling of protein sequence and biophysical properties (such as structural, functional, and spatial information, amino acid conservation, physicochemical variation, residue mobility, and thermodynamic stability) indicates that this missense variant is not expected to disrupt BRCA2 protein function with a negative predictive value of 95%. In summary, the available evidence is currently insufficient to determine the role of this variant in disease. Therefore, it has been classified as a Variant of Uncertain Significance.

NM_000059.4(BRCA2):c.9542T>C (p.Met3181Thr)

Gene: BRCA2 (BRCA2 DNA repair associated; plus strand). Cytogenetic location: 13q13.1.
Variant type: single nucleotide variant.
Coding change: c.9542T>C on transcript NM_000059.4 (MANE Select); coding-DNA position 9542, T replaced by C.
Protein change: p.Met3181Thr; replaces methionine 3181 with threonine.
Molecular consequence: missense variant.
Genome position (GRCh38, 1-based): chr13:32,396,938, T>C. VCF-style: chr13-32396938-T-C. GRCh37 (hg19) VCF-style: chr13-32971075-T-C.
Other names: short protein forms M3181T.
Identifiers: ClinVar variation 1498182 (VCV001498182.8), dbSNP rs80359225, ClinGen allele CA387763138.